The following is an entry in ClinVar:

ClinVar aggregate classification (germline): Uncertain significance (1 of 4 stars; one submission).

Submission:

Labcorp Genetics (formerly Invitae), Labcorp
Classification: Uncertain significance. Last evaluated: 2024-04-17. Review status: criteria provided, single submitter. Criteria: Invitae Variant Classification Sherloc (09022015). Collection method: clinical testing. Allele origin: germline.
Comment: This sequence change replaces isoleucine, which is neutral and non-polar, with threonine, which is neutral and polar, at codon 125 of the RS1 protein (p.Ile125Thr). This variant is not present in population databases (gnomAD no frequency). This variant has not been reported in the literature in individuals affected with RS1-related conditions. ClinVar contains an entry for this variant (Variation ID: 1497761). Advanced modeling of protein sequence and biophysical properties (such as structural, functional, and spatial information, amino acid conservation, physicochemical variation, residue mobility, and thermodynamic stability) performed at Invitae indicates that this missense variant is expected to disrupt RS1 protein function with a positive predictive value of 95%. In summary, the available evidence is currently insufficient to determine the role of this variant in disease. Therefore, it has been classified as a Variant of Uncertain Significance.

NM_000330.4(RS1):c.374T>C (p.Ile125Thr)

Genes: CDKL5 (cyclin dependent kinase like 5; plus strand), RS1 (retinoschisin 1; minus strand). Cytogenetic location: Xp22.13.
Variant type: single nucleotide variant.
Coding change: c.374T>C on transcript NM_000330.4 (MANE Select); coding-DNA position 374, T replaced by C.
Protein change: p.Ile125Thr; replaces isoleucine 125 with threonine.
Molecular consequence: missense variant. On other transcripts: intron variant (2).
Genome position (GRCh38, 1-based): chrX:18,644,578, A>G on the plus strand (T>C on the coding strand, the complement: RS1 is on the minus strand). VCF-style: chrX-18644578-A-G. GRCh37 (hg19) VCF-style: chrX-18662698-A-G.
Other names: c.2714-1429A>G (NM_003159.3, NM_001037343.2); short protein forms I125T.
Identifiers: ClinVar variation 1497761 (VCV001497761.9), dbSNP rs199469695, ClinGen allele CA412372182.